The following is an entry in ClinVar:

ClinVar aggregate classification (germline): Likely benign. Review status: criteria provided, multiple submitters, no conflicts (2 of 4 stars). 2 submissions from 2 submitters: Likely benign (2). Last evaluated 2023-08-06.

Conditions:
RYR1-related disorder. Also called: RYR1-related condition; RYR1-related disorders. Identifiers: MedGen CN239331.
Malignant hyperthermia, susceptibility to, 1 (MHS1). Also called: Malignant hyperthermia suceptibility 1; Anesthesia related hyperthermia; Malignant hyperpyrexia; Fulminating hyperpyrexia; Pharmacogenic myopathy; RYR1-Related Malignant Hyperthermia Susceptibility. Identifiers: Orphanet 423, MedGen C2930980, MONDO:0007783, OMIM 145600.

Allele frequency attached by ClinVar (database versions not stated): gnomAD exomes below 0.00001.
gnomAD v4.1: 1 of 1,614,030 alleles (0.000062%); highest among the groups gnomAD compares: African/African-American, 0.0013%; no homozygotes.

Submissions (2):

Labcorp Genetics (formerly Invitae), Labcorp
Classification: Likely benign for RYR1-related disorder. Last evaluated: 2023-08-06. Review status: criteria provided, single submitter. Criteria: Invitae Variant Classification Sherloc (09022015). Collection method: clinical testing. Allele origin: germline.

All of Us Research Program, National Institutes of Health
Classification: Likely benign for Malignant hyperthermia, susceptibility to, 1. Last evaluated: 2023-07-10. Review status: criteria provided, single submitter. Criteria: ACMG Guidelines, 2015. Collection method: clinical testing. Allele origin: germline. Inheritance: Autosomal dominant inheritance. Observed: 1 variant allele, 1 heterozygote.
Comment: This study involves interpretation of variants in research participants for the purpose of population health screening. Participant phenotype was not available at the time of variant classification. Additional details can be found in publication PMID: 35346344, PMCID: PMC8962531

NM_000540.3(RYR1):c.921C>T (p.His307=)

Gene: RYR1 (ryanodine receptor 1; plus strand). Cytogenetic location: 19q13.2.
Variant type: single nucleotide variant.
Coding change: c.921C>T on transcript NM_000540.3 (MANE Select); coding-DNA position 921, C replaced by T.
Protein change: p.His307=; no amino-acid change (histidine 307 retained).
Molecular consequence: synonymous variant.
Genome position (GRCh38, 1-based): chr19:38,448,475, C>T. VCF-style: chr19-38448475-C-T. GRCh37 (hg19) VCF-style: chr19-38939115-C-T.
Other names: c.921C>T, p.His307= (NM_001042723.2).
Identifiers: ClinVar variation 2900332 (VCV002900332.4), dbSNP rs2513995390, ClinGen allele CA507352470.